The following is an entry in ClinVar:

NM_006341.4(MAD2L2):c.549C>A (p.Asp183Glu)

Gene: MAD2L2 (mitotic arrest deficient 2 like 2; minus strand). Cytogenetic location: 1p36.22.
Variant type: single nucleotide variant.
Coding change: c.549C>A on transcript NM_006341.4 (MANE Select); coding-DNA position 549, C replaced by A.
Protein change: p.Asp183Glu; replaces aspartic acid 183 with glutamic acid.
Molecular consequence: missense variant.
Genome position (GRCh38, 1-based): chr1:11,675,127, G>T on the plus strand (C>A on the coding strand, the complement: MAD2L2 is on the minus strand). VCF-style: chr1-11675127-G-T. GRCh37 (hg19) VCF-style: chr1-11735184-G-T.
Other names: c.549C>A, p.Asp183Glu (NM_001127325.2); short protein forms D183E.
Identifiers: ClinVar variation 2032506 (VCV002032506.4), dbSNP rs747572072, ClinGen allele CA338415118.

ClinVar aggregate classification (germline): Uncertain significance (1 of 4 stars; one submission).

Allele frequency attached by ClinVar (database versions not stated): gnomAD exomes below 0.00001.
gnomAD v4.1: 1 of 1,605,664 alleles (0.000062%); highest among the groups gnomAD compares: Non-Finnish European, 0.000085%; no homozygotes.

Submission:

Labcorp Genetics (formerly Invitae), Labcorp
Classification: Uncertain significance. Last evaluated: 2023-08-17. Review status: criteria provided, single submitter. Criteria: Invitae Variant Classification Sherloc (09022015). Collection method: clinical testing. Allele origin: germline.
Comment: An algorithm developed to predict the effect of missense changes on protein structure and function (PolyPhen-2) suggests that this variant is likely to be tolerated. In summary, the available evidence is currently insufficient to determine the role of this variant in disease. Therefore, it has been classified as a Variant of Uncertain Significance. ClinVar contains an entry for this variant (Variation ID: 2032506). This sequence change replaces aspartic acid, which is acidic and polar, with glutamic acid, which is acidic and polar, at codon 183 of the MAD2L2 protein (p.Asp183Glu). This variant is not present in population databases (gnomAD no frequency). This variant has not been reported in the literature in individuals affected with MAD2L2-related conditions.